The following is an entry in ClinVar:

ClinVar aggregate classification (germline): Uncertain significance (1 of 4 stars; one submission).

Submission:

Labcorp Genetics (formerly Invitae), Labcorp
Classification: Uncertain significance. Last evaluated: 2024-02-22. Review status: criteria provided, single submitter. Criteria: Invitae Variant Classification Sherloc (09022015). Collection method: clinical testing. Allele origin: germline.
Comment: This sequence change replaces proline, which is neutral and non-polar, with arginine, which is basic and polar, at codon 126 of the CYP24A1 protein (p.Pro126Arg). This variant is not present in population databases (gnomAD no frequency). This variant has not been reported in the literature in individuals affected with CYP24A1-related conditions. Advanced modeling of protein sequence and biophysical properties (such as structural, functional, and spatial information, amino acid conservation, physicochemical variation, residue mobility, and thermodynamic stability) has been performed at Invitae for this missense variant, however the output from this modeling did not meet the statistical confidence thresholds required to predict the impact of this variant on CYP24A1 protein function. In summary, the available evidence is currently insufficient to determine the role of this variant in disease. Therefore, it has been classified as a Variant of Uncertain Significance.

NM_000782.5(CYP24A1):c.377C>G (p.Pro126Arg)

Gene: CYP24A1 (cytochrome P450 family 24 subfamily A member 1; minus strand). Cytogenetic location: 20q13.2.
Variant type: single nucleotide variant.
Coding change: c.377C>G on transcript NM_000782.5 (MANE Select); coding-DNA position 377, C replaced by G.
Protein change: p.Pro126Arg; replaces proline 126 with arginine.
Molecular consequence: missense variant.
Genome position (GRCh38, 1-based): chr20:54,172,981, G>C on the plus strand (C>G on the coding strand, the complement: CYP24A1 is on the minus strand). VCF-style: chr20-54172981-G-C. GRCh37 (hg19) VCF-style: chr20-52789520-G-C.
Other names: c.377C>G, p.Pro126Arg (NM_001128915.2, NM_001424340.1, NM_001424341.1 and 2 more transcripts); short protein forms P126R.
Identifiers: ClinVar variation 3642652 (VCV003642652.2).